The following is an entry in ClinVar:

ClinVar aggregate classification (germline): Benign/Likely benign. Review status: criteria provided, multiple submitters, no conflicts (2 of 4 stars). 4 submissions from 4 submitters: Benign (1); Likely benign (2). 1 of the submissions does not count toward it. Last evaluated 2025-12-16.

Conditions:
OTOGL-related disorder. Also called: OTOGL-related condition.

Allele frequency attached by ClinVar (database versions not stated): TOPMed 0.00002; gnomAD 0.00007; 1000 Genomes Project 30x 0.00031; 1000 Genomes Project 0.00040; gnomAD exomes 0.00042; ExAC 0.00054.
gnomAD v4.1: 315 of 1,595,376 alleles (0.02%); highest among the groups gnomAD compares: South Asian, 0.34%; no homozygotes.

Submissions (4):

Labcorp Genetics (formerly Invitae), Labcorp
Classification: Benign. Last evaluated: 2025-12-16. Review status: criteria provided, single submitter. Criteria: Invitae Variant Classification Sherloc (09022015). Collection method: clinical testing. Allele origin: germline.

Blueprint Genetics
Classification: Likely benign. Last evaluated: 2024-05-28. Review status: criteria provided, single submitter. Criteria: ACMG Guidelines, 2015. Collection method: clinical testing. Allele origin: germline.

GeneDx
Classification: Likely benign. Last evaluated: 2021-01-19. Review status: criteria provided, single submitter. Criteria: GeneDx Variant Classification Process June 2021. Collection method: clinical testing. Allele origin: germline. Affected: yes.

PreventionGenetics, part of Exact Sciences
Classification: Likely benign for OTOGL-related condition. Last evaluated: 2019-04-03. Review status: no assertion criteria provided. Collection method: clinical testing. Allele origin: germline. Not counted in ClinVar's aggregate classification.
Comment: This variant is classified as likely benign based on ACMG/AMP sequence variant interpretation guidelines (Richards et al. 2015 PMID: 25741868, with internal and published modifications).

NM_001378609.3(OTOGL):c.4605G>A (p.Arg1535=)

Gene: OTOGL (otogelin like; plus strand). Cytogenetic location: 12q21.31.
Variant type: single nucleotide variant.
Coding change: c.4605G>A on transcript NM_001378609.3 (MANE Select); coding-DNA position 4605, G replaced by A.
Protein change: p.Arg1535=; no amino-acid change (arginine 1535 retained).
Molecular consequence: synonymous variant.
Genome position (GRCh38, 1-based): chr12:80,336,417, G>A. VCF-style: chr12-80336417-G-A. GRCh37 (hg19) VCF-style: chr12-80730197-G-A.
Other names: c.4470G>A, p.Arg1490= (NM_001368062.3); c.4605G>A, p.Arg1535= (NM_001378610.3, NM_173591.7).
Identifiers: ClinVar variation 1189869 (VCV001189869.10), dbSNP rs543306122, ClinGen allele CA6701456.